The following is an entry in ClinVar:

ClinVar aggregate classification (germline): Uncertain significance (1 of 4 stars; one submission).

Submission:

Ambry Genetics
Classification: Uncertain significance. Last evaluated: 2025-06-30. Review status: criteria provided, single submitter. Criteria: Ambry Variant Classification Scheme 2023. Collection method: clinical testing. Allele origin: germline.
Comment: The p.V136L variant (also known as c.406G>C), located in coding exon 3 of the GFI1 gene, results from a G to C substitution at nucleotide position 406. The valine at codon 136 is replaced by leucine, an amino acid with highly similar properties. This amino acid position is conserved. In addition, this alteration is predicted to be tolerated by in silico analysis. Based on the available evidence, the clinical significance of this variant remains unclear.

NM_005263.5(GFI1):c.406G>C (p.Val136Leu)

Gene: GFI1 (growth factor independent 1 transcriptional repressor; minus strand). Cytogenetic location: 1p22.1.
Variant type: single nucleotide variant.
Coding change: c.406G>C on transcript NM_005263.5 (MANE Select); coding-DNA position 406, G replaced by C.
Protein change: p.Val136Leu; replaces valine 136 with leucine.
Molecular consequence: missense variant.
Genome position (GRCh38, 1-based): chr1:92,480,981, C>G on the plus strand (G>C on the coding strand, the complement: GFI1 is on the minus strand). VCF-style: chr1-92480981-C-G. GRCh37 (hg19) VCF-style: chr1-92946538-C-G.
Other names: c.406G>C, p.Val136Leu (NM_001127215.3, NM_001127216.3); short protein forms V136L.
Identifiers: ClinVar variation 4263187 (VCV004263187.1).
Genomic context (GRCh38, chr1:92,480,981, plus strand): 5'-CGCAGAAGAGGCCCAGGCCAGCGCCACGCTCCAGGGCCCCACACGGTCGGTAGCTCTGCA[C>G]CAGGTGCCGCAGGTCAGAACCCGCCAGGCCGCTCCATGAGTACGGTTTGAAAGGCAGGGG-3'
Protein context (NP_005254.2, residues 126-146): GLAGSDLRHL[Val136Leu]QSYRPCGALE